The following is an entry in ClinVar:

ClinVar aggregate classification (germline): Uncertain significance (1 of 4 stars; one submission).

Submission:

GeneDx
Classification: Uncertain significance. Last evaluated: 2020-07-10. Review status: criteria provided, single submitter. Criteria: GeneDx Variant Classification Process June 2021. Collection method: clinical testing. Allele origin: germline. Affected: yes.
Comment: Not observed in large population cohorts (Lek et al., 2016); In silico analysis supports that this missense variant has a deleterious effect on protein structure/function; Has not been previously published as pathogenic or benign to our knowledge

NM_000193.4(SHH):c.944T>G (p.Val315Gly)

Gene: SHH (sonic hedgehog signaling molecule; minus strand). Cytogenetic location: 7q36.3.
Variant type: single nucleotide variant.
Coding change: c.944T>G on transcript NM_000193.4 (MANE Select); coding-DNA position 944, T replaced by G.
Protein change: p.Val315Gly; replaces valine 315 with glycine.
Molecular consequence: missense variant. On other transcripts: intron variant (1).
Genome position (GRCh38, 1-based): chr7:155,803,345, A>C on the plus strand (T>G on the coding strand, the complement: SHH is on the minus strand). VCF-style: chr7-155803345-A-C. GRCh37 (hg19) VCF-style: chr7-155596039-A-C.
Other names: c.301+2951T>G (NM_001310462.2); short protein forms V315G.
Identifiers: ClinVar variation 1313049 (VCV001313049.2), dbSNP rs2117127137, ClinGen allele CA370145591.
Genomic context (GRCh38, chr7:155,803,345, plus strand): 5'-ACGCTGTGCACAGCGGCGGGCAGGAGCCGGCGGTCCCCGTCACGCTCGGCCACCACGTAC[A>C]CGCGCTGGCCCGGGCGCACGCGGCTGGCGAACAGCGCCCGAGGCCCCAGTGCGCCCCCGG-3'
Protein context (NP_000184.1, residues 305-325): FASRVRPGQR[Val315Gly]YVVAERDGDR